The following is an entry in ClinVar:

NM_000030.3(AGXT):c.832del (p.Leu278fs)

Gene: AGXT (alanine--glyoxylate aminotransferase; plus strand). Cytogenetic location: 2q37.3.
Variant type: Deletion.
Coding change: c.832del on transcript NM_000030.3 (MANE Select); coding-DNA position 832, one base deleted (C; older notation c.832delC).
Protein change: p.Leu278fs; shifts the reading frame from leucine 278.
Molecular consequence: frameshift variant.
Genome position (GRCh38, 1-based): chr2:240,875,990, C deleted; the last of 3 consecutive C bases (chr2:240,875,988-240,875,990); deleting any one gives the same sequence. VCF-style (leftmost placement, unchanged base first): chr2-240875987-GC-G. GRCh37 (hg19) VCF-style: chr2-241815404-GC-G.
Other names: short protein forms L278fs.
Identifiers: ClinVar variation 1075767 (VCV001075767.9), dbSNP rs2106430919, ClinGen allele CA2499215816.
Genomic context (GRCh38, chr2:240,875,987, plus strand): 5'-TCTTCCAGGTACCATCACACAATCCCCGTCATCAGCCTGTACAGCCTGAGAGAGAGCCTG[GC>G]CCTCATTGCGGAACAGGTGCATGGGCTGCACTCCACAGGAGGAGACAGGGCCACTGGCTG-3'

ClinVar aggregate classification (germline): Pathogenic (1 of 4 stars; one submission).

Submission:

Labcorp Genetics (formerly Invitae), Labcorp
Classification: Pathogenic. Last evaluated: 2020-09-10. Review status: criteria provided, single submitter. Criteria: Invitae Variant Classification Sherloc (09022015). Collection method: clinical testing. Allele origin: germline.
Comment: This sequence change creates a premature translational stop signal (p.Leu278Serfs*34) in the AGXT gene. It is expected to result in an absent or disrupted protein product. For these reasons, this variant has been classified as Pathogenic. Loss-of-function variants in AGXT are known to be pathogenic (PMID: 19479957). This variant has been observed in individual(s) with primary hyperoxaluria (PMID: 25644115). This variant is not present in population databases (ExAC no frequency).

Literature cited by the submitters: PubMed 19479957; PubMed 25644115.